The following is an entry in ClinVar:

NM_004519.4(KCNQ3):c.1363G>C (p.Glu455Gln)

Gene: KCNQ3 (potassium voltage-gated channel subfamily Q member 3; minus strand). Cytogenetic location: 8q24.22.
Variant type: single nucleotide variant.
Coding change: c.1363G>C on transcript NM_004519.4 (MANE Select); coding-DNA position 1363, G replaced by C.
Protein change: p.Glu455Gln; replaces glutamic acid 455 with glutamine.
Molecular consequence: missense variant.
Genome position (GRCh38, 1-based): chr8:132,141,231, C>G on the plus strand (G>C on the coding strand, the complement: KCNQ3 is on the minus strand). VCF-style: chr8-132141231-C-G. GRCh37 (hg19) VCF-style: chr8-133153478-C-G.
Other names: c.1003G>C, p.Glu335Gln (NM_001204824.2); short protein forms E455Q, E335Q.
Identifiers: ClinVar variation 852958 (VCV000852958.8), dbSNP rs1338855011, ClinGen allele CA372220106.
Genomic context (GRCh38, chr8:132,141,231, plus strand): 5'-CCGTGCGGAAACGCTCTTTATTGTTTAAGCCAACAGGCTTTGGTTCTTTAGAAGGACTTT[C>G]TTCTATGGCATCTACATTCAGAGGGGTAAATAGCTTTCCTTTAGTATTGCTACCACGAGG-3'
Protein context (NP_004510.1, residues 445-465): FTPLNVDAIE[Glu455Gln]SPSKEPKPVG

ClinVar aggregate classification (germline): Uncertain significance. Review status: criteria provided, multiple submitters, no conflicts (2 of 4 stars). 2 submissions from 2 submitters: Uncertain significance (2). Last evaluated 2026-01-04.

Conditions:
Inborn genetic diseases. Identifiers: MedGen C0950123, MeSH D030342.
Benign neonatal seizures. Also called: Benign neonatal familial convulsions; Benign familial neonatal epilepsy; Convulsions benign familial neonatal dominant form; Autosomal dominant form of benign neonatal seizures; Benign familial neonatal seizures. Identifiers: Orphanet 1949, MedGen C0220669, MONDO:0016027.

Allele frequency attached by ClinVar (database versions not stated): gnomAD 0.00001; gnomAD exomes 0.00001 and 0.00002; TOPMed 0.00001.
gnomAD v4.1: 9 of 1,614,052 alleles (0.00056%); highest among the groups gnomAD compares: Admixed American, 0.012%; no homozygotes.

Submissions (2):

Labcorp Genetics (formerly Invitae), Labcorp
Classification: Uncertain significance for Benign neonatal seizures. Last evaluated: 2026-01-04. Review status: criteria provided, single submitter. Criteria: Invitae Variant Classification Sherloc (09022015). Collection method: clinical testing. Allele origin: germline.
Comment: This sequence change replaces glutamic acid, which is acidic and polar, with glutamine, which is neutral and polar, at codon 455 of the KCNQ3 protein (p.Glu455Gln). This variant is present in population databases (no rsID available, gnomAD 0.01%). This missense change has been observed in individual(s) with clinical features of autosomal dominant KCNQ3-related conditions (internal data). ClinVar contains an entry for this variant (Variation ID: 852958). Invitae Evidence Modeling of protein sequence and biophysical properties (such as structural, functional, and spatial information, amino acid conservation, physicochemical variation, residue mobility, and thermodynamic stability) indicates that this missense variant is not expected to disrupt KCNQ3 protein function with a negative predictive value of 80%. In summary, the available evidence is currently insufficient to determine the role of this variant in disease. Therefore, it has been classified as a Variant of Uncertain Significance.

Ambry Genetics
Classification: Uncertain significance for Inborn genetic diseases. Last evaluated: 2024-05-13. Review status: criteria provided, single submitter. Criteria: Ambry Variant Classification Scheme 2023. Collection method: clinical testing. Allele origin: germline.